The following is an entry in ClinVar:

ClinVar aggregate classification (germline): Likely benign (0 of 4 stars; one submission).

Conditions:
NLRP2-related disorder. Also called: NLRP2-related condition.

Allele frequency attached by ClinVar (database versions not stated): TOPMed 0.00008; 1000 Genomes Project 30x 0.00016; 1000 Genomes Project 0.00020; ESP Exome Variant Server 0.00023; gnomAD exomes 0.00038; ExAC 0.00061; gnomAD 0.00083.
gnomAD v4.1: 665 of 1,614,186 alleles (0.041%); highest among the groups gnomAD compares: African/African-American, 0.019%; 4 homozygotes.

Submission:

PreventionGenetics, part of Exact Sciences
Classification: Likely benign for NLRP2-related condition. Last evaluated: 2020-01-03. Review status: no assertion criteria provided. Collection method: clinical testing. Allele origin: germline.
Comment: This variant is classified as likely benign based on ACMG/AMP sequence variant interpretation guidelines (Richards et al. 2015 PMID: 25741868, with internal and published modifications).

NM_017852.5(NLRP2):c.1727G>A (p.Arg576Gln)

Gene: NLRP2 (NLR family pyrin domain containing 2; plus strand). Cytogenetic location: 19q13.42.
Variant type: single nucleotide variant.
Coding change: c.1727G>A on transcript NM_017852.5 (MANE Select); coding-DNA position 1727, G replaced by A.
Protein change: p.Arg576Gln; replaces arginine 576 with glutamine.
Molecular consequence: missense variant. On other transcripts: non-coding transcript variant (1).
Genome position (GRCh38, 1-based): chr19:54,983,425, G>A. VCF-style: chr19-54983425-G-A. GRCh37 (hg19) VCF-style: chr19-55494793-G-A.
Other names: c.1727G>A, p.Arg576Gln (NM_001174081.3); c.1661G>A, p.Arg554Gln (NM_001174082.3); c.1658G>A, p.Arg553Gln (NM_001174083.2); c.1718G>A, p.Arg573Gln (NM_001348003.2); short protein forms R553Q, R554Q, R573Q, R576Q.
Identifiers: ClinVar variation 3034258 (VCV003034258.2), dbSNP rs146643490, ClinGen allele CA310105416.
Genomic context (GRCh38, chr19:54,983,425, plus strand): 5'-ACTCCTTTGGCCTCGCTAACGAGAAGAGAGCCAAGGAGTTGGAGGCCACTTTTGGCTGCC[G>A]GATGTCACCGGACATCAAACAGGAATTGCTGCGATGCGACATAAGTTGTAAGGGTGGACA-3'
Protein context (NP_060322.1, residues 566-586): AKELEATFGC[Arg576Gln]MSPDIKQELL